The following is an entry in ClinVar:

NM_021620.4(PRDM13):c.1648G>T (p.Val550Phe)

Gene: PRDM13 (PR/SET domain 13; plus strand). Cytogenetic location: 6q16.2.
Variant type: single nucleotide variant.
Coding change: c.1648G>T on transcript NM_021620.4 (MANE Select); coding-DNA position 1648, G replaced by T.
Protein change: p.Val550Phe; replaces valine 550 with phenylalanine.
Molecular consequence: missense variant.
Genome position (GRCh38, 1-based): chr6:99,614,283, G>T. VCF-style: chr6-99614283-G-T. GRCh37 (hg19) VCF-style: chr6-100062159-G-T.
Other names: short protein forms V550F.
Identifiers: ClinVar variation 3607221 (VCV003607221.2).

ClinVar aggregate classification (germline): Uncertain significance (1 of 4 stars; one submission).

Submission:

Labcorp Genetics (formerly Invitae), Labcorp
Classification: Uncertain significance. Last evaluated: 2025-01-20. Review status: criteria provided, single submitter. Criteria: Invitae Variant Classification Sherloc (09022015). Collection method: clinical testing. Allele origin: germline.
Comment: This sequence change replaces valine, which is neutral and non-polar, with phenylalanine, which is neutral and non-polar, at codon 550 of the PRDM13 protein (p.Val550Phe). The frequency data for this variant in the population databases is considered unreliable, as metrics indicate poor data quality at this position in the gnomAD database. This variant has not been reported in the literature in individuals affected with PRDM13-related conditions. An algorithm developed to predict the effect of missense changes on protein structure and function (PolyPhen-2) suggests that this variant is likely to be tolerated. In summary, the available evidence is currently insufficient to determine the role of this variant in disease. Therefore, it has been classified as a Variant of Uncertain Significance.